The following is an entry in ClinVar:

NM_006214.4(PHYH):c.55C>A (p.Arg19Ser)

Genes: PHYH (phytanoyl-CoA 2-hydroxylase; minus strand), LOC130003374 (ATAC-STARR-seq lymphoblastoid silent region 2152; plus strand). Cytogenetic location: 10p13.
Variant type: single nucleotide variant.
Coding change: c.55C>A on transcript NM_006214.4 (MANE Select); coding-DNA position 55, C replaced by A.
Protein change: p.Arg19Ser; replaces arginine 19 with serine.
Molecular consequence: missense variant.
Genome position (GRCh38, 1-based): chr10:13,299,988, G>T on the plus strand (C>A on the coding strand, the complement: PHYH is on the minus strand). VCF-style: chr10-13299988-G-T. GRCh37 (hg19) VCF-style: chr10-13341988-G-T.
Other names: c.55C>A, p.Arg19Ser (NM_001323082.2, NM_001323083.2); short protein forms R19S.
Identifiers: ClinVar variation 2125512 (VCV002125512.4), dbSNP rs945890557, ClinGen allele CA376038258.
Genomic context (GRCh38, chr10:13,299,988, plus strand): 5'-CGCCGGATCCAGCCCGAGCCCCGCGCAGCCCAAAGGATACGACAGCCCCGGCCGAGGGGC[G>T]GCCGAGGTGGCCCAGAACAATCTGCAGACGGGCGGCGGCGCGAAGCTGCTCCATGGCTGC-3'
Protein context (NP_006205.1, residues 9-29): RLQIVLGHLG[Arg19Ser]PSAGAVVAHP

ClinVar aggregate classification (germline): Uncertain significance (1 of 4 stars; one submission).

Submission:

Labcorp Genetics (formerly Invitae), Labcorp
Classification: Uncertain significance. Last evaluated: 2025-01-06. Review status: criteria provided, single submitter. Criteria: Invitae Variant Classification Sherloc (09022015). Collection method: clinical testing. Allele origin: germline.
Comment: This sequence change replaces arginine, which is basic and polar, with serine, which is neutral and polar, at codon 19 of the PHYH protein (p.Arg19Ser). This variant is not present in population databases (gnomAD no frequency). This variant has not been reported in the literature in individuals affected with PHYH-related conditions. ClinVar contains an entry for this variant (Variation ID: 2125512). An algorithm developed to predict the effect of missense changes on protein structure and function (PolyPhen-2) suggests that this variant is likely to be tolerated. In summary, the available evidence is currently insufficient to determine the role of this variant in disease. Therefore, it has been classified as a Variant of Uncertain Significance.